The following is an entry in ClinVar:

NM_016239.4(MYO15A):c.5890del (p.Ser1964fs)

Gene: MYO15A (myosin XVA; plus strand). Cytogenetic location: 17p11.2.
Variant type: Deletion.
Coding change: c.5890del on transcript NM_016239.4 (MANE Select); coding-DNA position 5890, one base deleted (A; older notation c.5890delA).
Protein change: p.Ser1964fs; shifts the reading frame from serine 1964.
Molecular consequence: frameshift variant.
Genome position (GRCh38, 1-based): chr17:18,142,820, A deleted. VCF-style (leftmost placement, unchanged base first): chr17-18142819-GA-G. GRCh37 (hg19) VCF-style: chr17-18046133-GA-G.
Other names: short protein forms S1964fs.
Identifiers: ClinVar variation 2036656 (VCV002036656.4), dbSNP rs2545262131, ClinGen allele CA2580092647.

ClinVar aggregate classification (germline): Pathogenic (1 of 4 stars; one submission).

Submission:

Labcorp Genetics (formerly Invitae), Labcorp
Classification: Pathogenic. Last evaluated: 2023-04-28. Review status: criteria provided, single submitter. Criteria: Invitae Variant Classification Sherloc (09022015). Collection method: clinical testing. Allele origin: germline.
Comment: For these reasons, this variant has been classified as Pathogenic. ClinVar contains an entry for this variant (Variation ID: 2036656). This variant has not been reported in the literature in individuals affected with MYO15A-related conditions. This variant is not present in population databases (gnomAD no frequency). This sequence change creates a premature translational stop signal (p.Ser1964Alafs*8) in the MYO15A gene. It is expected to result in an absent or disrupted protein product. Loss-of-function variants in MYO15A are known to be pathogenic (PMID: 17546645).

Literature cited by the submitters: PubMed 17546645.